The following is an entry in ClinVar:

NM_152383.5(DIS3L2):c.733C>T (p.Arg245Ter)

Gene: DIS3L2 (DIS3 like 3'-5' exoribonuclease 2; plus strand). Cytogenetic location: 2q37.1.
Variant type: single nucleotide variant.
Coding change: c.733C>T on transcript NM_152383.5 (MANE Select); coding-DNA position 733, C replaced by T.
Protein change: p.Arg245Ter; replaces arginine 245 with a stop codon.
Molecular consequence: nonsense. On other transcripts: non-coding transcript variant (1).
Genome position (GRCh38, 1-based): chr2:232,136,502, C>T. VCF-style: chr2-232136502-C-T. GRCh37 (hg19) VCF-style: chr2-233001212-C-T.
Other names: c.733C>T, p.Arg245Ter (NM_001257281.2); short protein forms R245*.
Identifiers: ClinVar variation 581845 (VCV000581845.8), dbSNP rs199648534, ClinGen allele CA2163935.

ClinVar aggregate classification (germline): Pathogenic/Likely pathogenic. Review status: criteria provided, multiple submitters, no conflicts (2 of 4 stars). 3 submissions from 3 submitters: Pathogenic (1); Likely pathogenic (1). 1 of the submissions does not count toward it. Last evaluated 2024-04-08.

Conditions:
Perlman syndrome (PRLMNS). Identifiers: Orphanet 2849, MedGen C0796113, MONDO:0009965, OMIM 267000.
DIS3L2-related disorder. Also called: DIS3L2-related condition.

Allele frequency attached by ClinVar (database versions not stated): gnomAD exomes below 0.00001; TOPMed below 0.00001; ExAC 0.00001.
gnomAD v4.1: 2 of 1,613,958 alleles (0.00012%); highest among the groups gnomAD compares: Non-Finnish European, 0.00017%; no homozygotes.

Submissions (3):

Labcorp Genetics (formerly Invitae), Labcorp
Classification: Pathogenic for Perlman syndrome. Last evaluated: 2024-04-08. Review status: criteria provided, single submitter. Criteria: Invitae Variant Classification Sherloc (09022015). Collection method: clinical testing. Allele origin: germline.
Comment: This sequence change creates a premature translational stop signal (p.Arg245*) in the DIS3L2 gene. It is expected to result in an absent or disrupted protein product. Loss-of-function variants in DIS3L2 are known to be pathogenic (PMID: 22306653, 28328139). This variant is present in population databases (rs199648534, gnomAD 0.0009%). This variant has not been reported in the literature in individuals affected with DIS3L2-related conditions. ClinVar contains an entry for this variant (Variation ID: 581845). For these reasons, this variant has been classified as Pathogenic.

Baylor Genetics
Classification: Likely pathogenic for Perlman syndrome. Last evaluated: 2023-03-14. Review status: criteria provided, single submitter. Criteria: ACMG Guidelines, 2015. Collection method: clinical testing. Allele origin: unknown.

PreventionGenetics, part of Exact Sciences
Classification: Likely pathogenic for DIS3L2-related condition. Last evaluated: 2024-04-01. Review status: no assertion criteria provided. Collection method: clinical testing. Allele origin: germline. Not counted in ClinVar's aggregate classification.
Comment: The DIS3L2 c.733C>T variant is predicted to result in premature protein termination (p.Arg245*). This variant was identified in an individual with liver hepatocellular carcinoma (TableS2B, Huang et al 2018. PubMed ID: 29625052; TableS2B, Yang Y et al 2022. PubMed ID: 36451132). In ClinVar this variant is interpreted as either likely pathogenic or pathogenic by multiple labs. This variant is reported in 0.00088% of alleles in individuals of European (Non-Finnish) descent in gnomAD. Nonsense variants in DIS3L2 are expected to be pathogenic. This variant is interpreted as likely pathogenic.

Literature cited by the submitters: PubMed 22306653 (cited by Labcorp Genetics (formerly Invitae), Labcorp); PubMed 28328139 (cited by Labcorp Genetics (formerly Invitae), Labcorp).